The following is an entry in ClinVar:

ClinVar aggregate classification (germline): Uncertain significance (1 of 4 stars; one submission).

Conditions:
EFL1-related disorder. Also called: EFL1-related condition.

Submission:

PreventionGenetics, part of Exact Sciences
Classification: Uncertain significance for EFL1-related condition. Last evaluated: 2025-11-13. Review status: criteria provided, single submitter. Criteria: ACMG Guidelines, 2015. Collection method: clinical testing. Allele origin: germline.
Comment: The EFL1 c.1882+7T>C variant is predicted to interfere with splicing. To our knowledge, this variant has not been reported in the literature or in a large population database (gnomAD), indicating this variant is rare. At this time, the clinical significance of this variant is uncertain due to the absence of conclusive functional and genetic evidence.

NM_024580.6(EFL1):c.1882+7T>C

Gene: EFL1 (elongation factor like GTPase 1; minus strand). Cytogenetic location: 15q25.2.
Variant type: single nucleotide variant.
Coding change: c.1882+7T>C on transcript NM_024580.6 (MANE Select); 7 bases into the intron after coding-DNA position 1882, T replaced by C.
Molecular consequence: intron variant.
Genome position (GRCh38, 1-based): chr15:82,163,846, A>G on the plus strand (T>C on the coding strand, the complement: EFL1 is on the minus strand). VCF-style: chr15-82163846-A-G. GRCh37 (hg19) VCF-style: chr15-82456187-A-G.
Other names: c.1729+7T>C (NM_001040610.3); c.1093+7T>C (NM_001322844.2); c.1882+7T>C (NM_001322845.2).
Identifiers: ClinVar variation 4993514 (VCV004993514.1).